The following is an entry in ClinVar:

ClinVar aggregate classification (germline): Conflicting classifications of pathogenicity. Review status: criteria provided, conflicting classifications (1 of 4 stars). 2 submissions from 2 submitters: Uncertain significance (1); Likely benign (1). Last evaluated 2025-07-04.

Conditions:
Inborn genetic diseases. Identifiers: MedGen C0950123, MeSH D030342.

gnomAD v4.1: 9 of 1,424,500 alleles (0.00063%); highest among the groups gnomAD compares: African/African-American, 0.012%; no homozygotes.

Submissions (2):

Labcorp Genetics (formerly Invitae), Labcorp
Classification: Uncertain significance. Last evaluated: 2025-07-04. Review status: criteria provided, single submitter. Criteria: Invitae Variant Classification Sherloc (09022015). Collection method: clinical testing. Allele origin: germline.
Comment: This sequence change replaces proline, which is neutral and non-polar, with leucine, which is neutral and non-polar, at codon 507 of the TRRAP protein (p.Pro507Leu). The frequency data for this variant in the population databases is considered unreliable, as metrics indicate poor data quality at this position in the gnomAD database. This variant has not been reported in the literature in individuals affected with TRRAP-related conditions. An algorithm developed to predict the effect of missense changes on protein structure and function (PolyPhen-2) suggests that this variant is likely to be tolerated. In summary, the available evidence is currently insufficient to determine the role of this variant in disease. Therefore, it has been classified as a Variant of Uncertain Significance.

Ambry Genetics
Classification: Likely benign for Inborn genetic diseases. Last evaluated: 2025-06-12. Review status: criteria provided, single submitter. Criteria: Ambry Variant Classification Scheme 2023. Collection method: clinical testing. Allele origin: germline.

NM_001375524.1(TRRAP):c.1520C>T (p.Pro507Leu)

Gene: TRRAP (transformation/transcription domain associated protein; plus strand). Cytogenetic location: 7q22.1.
Variant type: single nucleotide variant.
Coding change: c.1520C>T on transcript NM_001375524.1 (MANE Select); coding-DNA position 1520, C replaced by T.
Protein change: p.Pro507Leu; replaces proline 507 with leucine.
Molecular consequence: missense variant.
Genome position (GRCh38, 1-based): chr7:98,910,225, C>T. VCF-style: chr7-98910225-C-T. GRCh37 (hg19) VCF-style: chr7-98507848-C-T.
Other names: c.1520C>T, p.Pro507Leu (NM_001244580.2, NM_003496.4); short protein forms P507L.
Identifiers: ClinVar variation 3974490 (VCV003974490.2).
Genomic context (GRCh38, chr7:98,910,225, plus strand): 5'-TGCCCACTGCCCCTGCAGCTCCTGGCCCTGCTCCCTCCCCAGCCCCTGTCCCTGCCCCAC[C>T]TCCACCCCCGCCCCCACCCCCACCTGCCACCCCTGTGACCCCGGCCCCCGTGCCTCCCTT-3'
Protein context (NP_001362453.1, residues 497-517): APSPAPVPAP[Pro507Leu]PPPPPPPPAT